The following is an entry in ClinVar:

ClinVar aggregate classification (germline): Pathogenic (1 of 4 stars; one submission).

Submission:

Labcorp Genetics (formerly Invitae), Labcorp
Classification: Pathogenic. Last evaluated: 2023-12-31. Review status: criteria provided, single submitter. Criteria: Invitae Variant Classification Sherloc (09022015). Collection method: clinical testing. Allele origin: germline.
Comment: A gross deletion of the genomic region encompassing the full coding sequence of the TRPM1 gene has been identified. Loss-of-function variants in TRPM1 are known to be pathogenic (PMID: 19896113, 19966281, 20300565). The boundaries of this event are unknown as they extend beyond the assayed region for this gene and therefore may encompass additional genes. Isolated whole-gene deletions of TRPM1 have not been reported in the literature. However, larger copy number events that include this gene have been reported (PMID: 28341476). For these reasons, this variant has been classified as Pathogenic.

Literature cited by the submitters: PubMed 19896113; PubMed 19966281; PubMed 20300565; PubMed 28341476.

NC_000015.9:g.(?_31196867)_(32404120_?)del

Genes: MTMR10 (myotubularin related protein 10; minus strand), MIR211 (microRNA 211; minus strand), CHRNA7 (cholinergic receptor nicotinic alpha 7 subunit), FAN1 (FANCD2 and FANCI associated nuclease 1; plus strand), KLF13 (KLF transcription factor 13; plus strand) and 2 more. Cytogenetic location: 15q13.2-13.3.
Variant type: Deletion.
Identifiers: ClinVar variation 1072397 (VCV001072397.7).